The following is an entry in ClinVar:

ClinVar aggregate classification (germline): Uncertain significance (1 of 4 stars; one submission).

Conditions:
Progressive sclerosing poliodystrophy (MTDPS4A). Also called: ALPERS PROGRESSIVE INFANTILE POLIODYSTROPHY; NEURONAL DEGENERATION OF CHILDHOOD WITH LIVER DISEASE, PROGRESSIVE; Alpers Syndrome; ALPERS DIFFUSE DEGENERATION OF CEREBRAL GRAY MATTER WITH HEPATIC CIRRHOSIS; Alpers-Huttenlocher Syndrome; Mitochondrial DNA depletion syndrome 4A (Alpers type). Identifiers: Orphanet 726, MedGen C0205710, MONDO:0008758, OMIM 203700.

Submission:

Labcorp Genetics (formerly Invitae), Labcorp
Classification: Uncertain significance for Progressive sclerosing poliodystrophy. Last evaluated: 2024-04-16. Review status: criteria provided, single submitter. Criteria: Invitae Variant Classification Sherloc (09022015). Collection method: clinical testing. Allele origin: germline.
Comment: This sequence change replaces valine, which is neutral and non-polar, with alanine, which is neutral and non-polar, at codon 503 of the POLG protein (p.Val503Ala). This variant is not present in population databases (gnomAD no frequency). This variant has not been reported in the literature in individuals affected with POLG-related conditions. Advanced modeling of protein sequence and biophysical properties (such as structural, functional, and spatial information, amino acid conservation, physicochemical variation, residue mobility, and thermodynamic stability) performed at Invitae indicates that this missense variant is not expected to disrupt POLG protein function with a negative predictive value of 95%. In summary, the available evidence is currently insufficient to determine the role of this variant in disease. Therefore, it has been classified as a Variant of Uncertain Significance.

NM_002693.3(POLG):c.1508T>C (p.Val503Ala)

Gene: POLG (DNA polymerase gamma, catalytic subunit; minus strand). Cytogenetic location: 15q26.1.
Variant type: single nucleotide variant.
Coding change: c.1508T>C on transcript NM_002693.3 (MANE Select); coding-DNA position 1508, T replaced by C.
Protein change: p.Val503Ala; replaces valine 503 with alanine.
Molecular consequence: missense variant.
Genome position (GRCh38, 1-based): chr15:89,326,989, A>G on the plus strand (T>C on the coding strand, the complement: POLG is on the minus strand). VCF-style: chr15-89326989-A-G. GRCh37 (hg19) VCF-style: chr15-89870220-A-G.
Other names: c.1508T>C, p.Val503Ala (NM_001126131.2); short protein forms V503A.
Identifiers: ClinVar variation 3636641 (VCV003636641.2).